The following is an entry in ClinVar:

NM_000081.4(LYST):c.9926-10T>G

Genes: LYST (lysosomal trafficking regulator; minus strand), LOC126806063 (MED14-independent group 3 enhancer GRCh37_chr1:235871544-235872743; plus strand). Cytogenetic location: 1q42.3.
Variant type: single nucleotide variant.
Coding change: c.9926-10T>G on transcript NM_000081.4 (MANE Select); 10 bases into the intron before coding-DNA position 9926, T replaced by G.
Molecular consequence: intron variant.
Genome position (GRCh38, 1-based): chr1:235,709,318, A>C on the plus strand (T>G on the coding strand, the complement: LYST is on the minus strand). VCF-style: chr1-235709318-A-C. GRCh37 (hg19) VCF-style: chr1-235872618-A-C.
Other names: c.9926-10T>G (NM_001301365.1).
Identifiers: ClinVar variation 3654399 (VCV003654399.2).

ClinVar aggregate classification (germline): Uncertain significance (1 of 4 stars; one submission).

Conditions:
Chédiak-Higashi syndrome (CHS). Also called: Chediak-Higashi Syndrome. Identifiers: Orphanet 167, MedGen C0007965, MONDO:0008963, OMIM 214500.

Submission:

Labcorp Genetics (formerly Invitae), Labcorp
Classification: Uncertain significance for Chédiak-Higashi syndrome. Last evaluated: 2024-05-28. Review status: criteria provided, single submitter. Criteria: Invitae Variant Classification Sherloc (09022015). Collection method: clinical testing. Allele origin: germline.
Comment: This sequence change falls in intron 43 of the LYST gene. It does not directly change the encoded amino acid sequence of the LYST protein. This variant is not present in population databases (gnomAD no frequency). This variant has not been reported in the literature in individuals affected with LYST-related conditions. Algorithms developed to predict the effect of sequence changes on RNA splicing suggest that this variant may create or strengthen a splice site. In summary, the available evidence is currently insufficient to determine the role of this variant in disease. Therefore, it has been classified as a Variant of Uncertain Significance.